The following is an entry in ClinVar:

ClinVar aggregate classification (germline): Uncertain significance (1 of 4 stars; one submission).

Allele frequency attached by ClinVar (database versions not stated): ExAC 0.00014; gnomAD exomes 0.00003; gnomAD 0.00002; 1000 Genomes Project 30x 0.00016; 1000 Genomes Project 0.00020; TOPMed 0.00006; ESP Exome Variant Server 0.00008.
gnomAD v4.1: 46 of 1,613,854 alleles (0.0029%); highest among the groups gnomAD compares: East Asian, 0.069%; no homozygotes.

Submission:

Labcorp Genetics (formerly Invitae), Labcorp
Classification: Uncertain significance. Last evaluated: 2022-05-14. Review status: criteria provided, single submitter. Criteria: Invitae Variant Classification Sherloc (09022015). Collection method: clinical testing. Allele origin: germline.
Comment: In summary, the available evidence is currently insufficient to determine the role of this variant in disease. Therefore, it has been classified as a Variant of Uncertain Significance. Algorithms developed to predict the effect of missense changes on protein structure and function (SIFT, PolyPhen-2, Align-GVGD) all suggest that this variant is likely to be disruptive. This variant has not been reported in the literature in individuals affected with CEP135-related conditions. This variant is present in population databases (rs377176971, gnomAD 0.2%). This sequence change replaces arginine, which is basic and polar, with tryptophan, which is neutral and slightly polar, at codon 678 of the CEP135 protein (p.Arg678Trp).

NM_025009.5(CEP135):c.2032C>T (p.Arg678Trp)

Gene: CEP135 (centrosomal protein 135; plus strand). Cytogenetic location: 4q12.
Variant type: single nucleotide variant.
Coding change: c.2032C>T on transcript NM_025009.5 (MANE Select); coding-DNA position 2032, C replaced by T.
Protein change: p.Arg678Trp; replaces arginine 678 with tryptophan.
Molecular consequence: missense variant.
Genome position (GRCh38, 1-based): chr4:55,999,324, C>T. VCF-style: chr4-55999324-C-T. GRCh37 (hg19) VCF-style: chr4-56865490-C-T.
Other names: short protein forms R678W.
Identifiers: ClinVar variation 2059847 (VCV002059847.4), dbSNP rs377176971, ClinGen allele CA2928040.